The following is an entry in ClinVar:

ClinVar aggregate classification (germline): Uncertain significance (1 of 4 stars; one submission).

Conditions:
Baller-Gerold syndrome (BGS). Also called: CRANIOSYNOSTOSIS WITH RADIAL DEFECTS. Identifiers: Orphanet 1225, MedGen C0265308, MONDO:0009039, OMIM 218600.

Allele frequency attached by ClinVar (database versions not stated): gnomAD exomes below 0.00001; ExAC 0.00001.
gnomAD v4.1: 3 of 1,520,660 alleles (0.0002%); highest among the groups gnomAD compares: African/African-American, 0.0042%; no homozygotes.

Submission:

Labcorp Genetics (formerly Invitae), Labcorp
Classification: Uncertain significance for Baller-Gerold syndrome. Last evaluated: 2023-09-05. Review status: criteria provided, single submitter. Criteria: Invitae Variant Classification Sherloc (09022015). Collection method: clinical testing. Allele origin: germline.
Comment: Advanced modeling of protein sequence and biophysical properties (such as structural, functional, and spatial information, amino acid conservation, physicochemical variation, residue mobility, and thermodynamic stability) performed at Invitae indicates that this missense variant is not expected to disrupt RECQL4 protein function. In summary, the available evidence is currently insufficient to determine the role of this variant in disease. Therefore, it has been classified as a Variant of Uncertain Significance. This variant has not been reported in the literature in individuals affected with RECQL4-related conditions. This variant is present in population databases (rs779891153, gnomAD 0.009%). This sequence change replaces glycine, which is neutral and non-polar, with glutamic acid, which is acidic and polar, at codon 120 of the RECQL4 protein (p.Gly120Glu).

NM_004260.4(RECQL4):c.359G>A (p.Gly120Glu)

Gene: RECQL4 (RecQ like helicase 4; minus strand). Cytogenetic location: 8q24.3.
Variant type: single nucleotide variant.
Coding change: c.359G>A on transcript NM_004260.4 (MANE Select); coding-DNA position 359, G replaced by A.
Protein change: p.Gly120Glu; replaces glycine 120 with glutamic acid.
Molecular consequence: missense variant. On other transcripts: 5 prime UTR variant (13), non-coding transcript variant (3), intron variant (5).
Genome position (GRCh38, 1-based): chr8:144,516,760, C>T on the plus strand (G>A on the coding strand, the complement: RECQL4 is on the minus strand). VCF-style: chr8-144516760-C-T. GRCh37 (hg19) VCF-style: chr8-145742144-C-T.
Other names: c.-617G>A (NM_001413034.1); c.359G>A, p.Gly120Glu (NM_001413036.1, NM_001413039.1, NM_001413017.1 and 4 more transcripts); c.-713G>A (NM_001413037.1, NM_001413038.1, NM_001413040.1 and 3 more transcripts); c.-775G>A (NM_001413041.1, NM_001413027.1, NM_001413030.1 and 1 more transcripts); c.-982G>A (NM_001413043.1); c.354+290G>A (NM_001413029.1); c.-676-99G>A (NM_001413032.1); c.-614-99G>A (NM_001413035.1, NM_001413024.1); and 3 more; short protein forms G77E, G120E.
Identifiers: ClinVar variation 2859881 (VCV002859881.3), dbSNP rs779891153, ClinGen allele CA4949319.